The following is an entry in ClinVar:

ClinVar aggregate classification (germline): Uncertain significance. Review status: criteria provided, multiple submitters, no conflicts (2 of 4 stars). 2 submissions from 2 submitters: Uncertain significance (2). Last evaluated 2025-12-28.

Allele frequency attached by ClinVar (database versions not stated): gnomAD exomes 0.00004; ExAC 0.00005; gnomAD 0.00015 and 0.00018; 1000 Genomes Project 30x 0.00016; 1000 Genomes Project 0.00020; TOPMed 0.00020.

Submissions (2):

Labcorp Genetics (formerly Invitae), Labcorp
Classification: Uncertain significance. Last evaluated: 2025-12-28. Review status: criteria provided, single submitter. Criteria: Invitae Variant Classification Sherloc (09022015). Collection method: clinical testing. Allele origin: germline.
Comment: This sequence change replaces lysine, which is basic and polar, with asparagine, which is neutral and polar, at codon 116 of the RASGRP1 protein (p.Lys116Asn). This variant is present in population databases (rs143250519, gnomAD 0.05%). This variant has not been reported in the literature in individuals affected with RASGRP1-related conditions. ClinVar contains an entry for this variant (Variation ID: 1414915). Invitae Evidence Modeling of protein sequence and biophysical properties (such as structural, functional, and spatial information, amino acid conservation, physicochemical variation, residue mobility, and thermodynamic stability) indicates that this missense variant is not expected to disrupt RASGRP1 protein function with a negative predictive value of 80%. Algorithms developed to predict the effect of sequence changes on RNA splicing suggest that this variant may disrupt the consensus splice site. In summary, the available evidence is currently insufficient to determine the role of this variant in disease. Therefore, it has been classified as a Variant of Uncertain Significance.

Blueprint Genetics
Classification: Uncertain significance. Last evaluated: 2023-12-07. Review status: criteria provided, single submitter. Criteria: ACMG Guidelines, 2015. Collection method: clinical testing. Allele origin: germline.

NM_005739.4(RASGRP1):c.348G>T (p.Lys116Asn)

Gene: RASGRP1 (RAS guanyl releasing protein 1; minus strand). Cytogenetic location: 15q14.
Variant type: single nucleotide variant.
Coding change: c.348G>T on transcript NM_005739.4 (MANE Select); coding-DNA position 348, G replaced by T.
Protein change: p.Lys116Asn; replaces lysine 116 with asparagine.
Molecular consequence: missense variant.
Genome position (GRCh38, 1-based): chr15:38,519,350, C>A on the plus strand (G>T on the coding strand, the complement: RASGRP1 is on the minus strand). VCF-style: chr15-38519350-C-A. GRCh37 (hg19) VCF-style: chr15-38811551-C-A.
Other names: c.348G>T, p.Lys116Asn (NM_001128602.2, NM_001306086.2); short protein forms K116N.
Identifiers: ClinVar variation 1414915 (VCV001414915.8), dbSNP rs143250519, ClinGen allele CA7471138.